The following is an entry in ClinVar:

ClinVar aggregate classification (germline): Conflicting classifications of pathogenicity. Review status: criteria provided, conflicting classifications (1 of 4 stars). 7 submissions from 7 submitters: Uncertain significance (1); Benign (2); Likely benign (3). 1 of the submissions does not count toward it. Last evaluated 2025-11-03.

Conditions:
SYNE1-related disorder. Also called: SYNE1-related disorders; SYNE1-related disease; SYNE1-related condition.
Autosomal recessive ataxia, Beauce type. Also called: Spinocerebellar ataxia, autosomal recessive 8; ATAXIA, RECESSIVE, OF BEAUCE; SYNE1 Deficiency; SYNE1-Related Autosomal Recessive Cerebellar Ataxia. Identifiers: Orphanet 88644, MedGen C1853116, MONDO:0012549, OMIM 610743.
Emery-Dreifuss muscular dystrophy 4, autosomal dominant (EDMD4). Also called: EMERY-DREIFUSS MUSCULAR DYSTROPHY 4 WITH VARIABLE FEATURES. Identifiers: Orphanet 261, MedGen C2751807, MONDO:0013071, OMIM 612998.

Allele frequency attached by ClinVar (database versions not stated): gnomAD exomes 0.00016 and 0.00039; ExAC 0.00046; 1000 Genomes Project 0.00060; 1000 Genomes Project 30x 0.00062; gnomAD 0.00137 and 0.00156; TOPMed 0.00164; ESP Exome Variant Server 0.00231.
gnomAD v4.1: 455 of 1,614,104 alleles (0.028%); highest among the groups gnomAD compares: African/African-American, 0.51%; 1 homozygote.

Submissions (7):

Labcorp Genetics (formerly Invitae), Labcorp
Classification: Likely benign for Emery-Dreifuss muscular dystrophy 4, autosomal dominant; Autosomal recessive ataxia, Beauce type. Last evaluated: 2025-11-03. Review status: criteria provided, single submitter. Criteria: Invitae Variant Classification Sherloc (09022015). Collection method: clinical testing. Allele origin: germline.

Mayo Clinic Laboratories, Mayo Clinic
Classification: Likely benign. Last evaluated: 2025-08-07. Review status: criteria provided, single submitter. Criteria: ACMG Guidelines, 2015. Collection method: clinical testing. Allele origin: germline. Observed: 2 variant alleles.
Comment: BS1, BP4

Women's Health and Genetics/Laboratory Corporation of America, LabCorp
Classification: Likely benign. Last evaluated: 2023-10-16. Review status: criteria provided, single submitter. Criteria: LabCorp Variant Classification Summary - May 2015. Collection method: clinical testing. Allele origin: germline.
Comment: Variant summary: SYNE1 c.7454C>G (p.Ser2485Cys) results in a non-conservative amino acid change in the encoded protein sequence. Three of five in-silico tools predict a damaging effect of the variant on protein function. The variant allele was found at a frequency of 0.00039 in 251270 control chromosomes, predominantly at a frequency of 0.005 within the African or African-American subpopulation in the gnomAD database, strongly suggesting that the variant is a benign polymorphism found primarily in populations of African or African-American origin. To our knowledge, no occurrence of c.7454C>G in individuals affected with Emery-Dreifuss Muscular Dystrophy 4, Autosomal Dominant and no experimental evidence demonstrating its impact on protein function have been reported. Four submitters have cited clinical-significance assessments for this variant to ClinVar after 2014, and classified it as benign (n=2), likely benign (n=1), or uncertain significance (n=1). Based on the evidence outlined above, the variant was classified as likely benign.

GeneDx
Classification: Uncertain significance. Last evaluated: 2022-07-27. Review status: criteria provided, single submitter. Criteria: GeneDx Variant Classification Process June 2021. Collection method: clinical testing. Allele origin: germline. Affected: yes.
Comment: In silico analysis supports that this missense variant has a deleterious effect on protein structure/function; Has not been previously published as pathogenic or benign to our knowledge

Athena Diagnostics
Classification: Benign. Last evaluated: 2020-04-01. Review status: criteria provided, single submitter. Criteria: Athena Diagnostics Criteria. Collection method: clinical testing. Allele origin: unknown.

Eurofins Ntd Llc (ga)
Classification: Benign. Last evaluated: 2016-07-08. Review status: criteria provided, single submitter. Criteria: EGL Classification Definitions 2015. Collection method: clinical testing. Allele origin: germline. Observed: 2 variant alleles, 2 heterozygotes.

PreventionGenetics, part of Exact Sciences
Classification: Likely benign for SYNE1-related condition. Last evaluated: 2022-02-03. Review status: no assertion criteria provided. Collection method: clinical testing. Allele origin: germline. Not counted in ClinVar's aggregate classification.
Comment: This variant is classified as likely benign based on ACMG/AMP sequence variant interpretation guidelines (Richards et al. 2015 PMID: 25741868, with internal and published modifications).

NM_182961.4(SYNE1):c.7433C>G (p.Ser2478Cys)

Gene: SYNE1 (spectrin repeat containing nuclear envelope protein 1; minus strand). Cytogenetic location: 6q25.2.
Variant type: single nucleotide variant.
Coding change: c.7433C>G on transcript NM_182961.4 (MANE Select); coding-DNA position 7433, C replaced by G.
Protein change: p.Ser2478Cys; replaces serine 2478 with cysteine.
Molecular consequence: missense variant.
Genome position (GRCh38, 1-based): chr6:152,396,898, G>C on the plus strand (C>G on the coding strand, the complement: SYNE1 is on the minus strand). VCF-style: chr6-152396898-G-C. GRCh37 (hg19) VCF-style: chr6-152718033-G-C.
Other names: p.Ser2485Cys; c.7454C>G, p.Ser2485Cys (NM_033071.5); short protein forms S2485C, S2478C.
Identifiers: ClinVar variation 288741 (VCV000288741.22), dbSNP rs149030452, ClinGen allele CA4057820.
Genomic context (GRCh38, chr6:152,396,898, plus strand): 5'-GCTTGAAACTCTTCATTGGCCTTTGTGATTTGTTCTTGAATGCTACTGACAATTTGTTTA[G>C]ACAAATGTGCATACAAAGTTTGTCCTTCTTGAGTCACTGCATCAAGTTTGCTCTGCCCAT-3'
Protein context (NP_892006.3, residues 2468-2488): QEGQTLYAHL[Ser2478Cys]KQIVSSIQEQ